The following is an entry in ClinVar:

ClinVar aggregate classification (germline): Likely benign (0 of 4 stars; one submission).

Conditions:
MUC16-related disorder. Also called: MUC16-related condition.

Submission:

PreventionGenetics, part of Exact Sciences
Classification: Likely benign for MUC16-related condition. Last evaluated: 2019-10-17. Review status: no assertion criteria provided. Collection method: clinical testing. Allele origin: germline.
Comment: This variant is classified as likely benign based on ACMG/AMP sequence variant interpretation guidelines (Richards et al. 2015 PMID: 25741868, with internal and published modifications).

NM_001401501.2(MUC16):c.43467G>T (p.Arg14489=)

Gene: MUC16 (mucin 16, cell surface associated; minus strand). Cytogenetic location: 19p13.2.
Variant type: single nucleotide variant.
Coding change: c.43467G>T on transcript NM_001401501.2 (MANE Select); coding-DNA position 43467, G replaced by T.
Protein change: p.Arg14489=; no amino-acid change (arginine 14489 retained).
Molecular consequence: synonymous variant.
Genome position (GRCh38, 1-based): chr19:8,886,805, C>A on the plus strand (G>T on the coding strand, the complement: MUC16 is on the minus strand). VCF-style: chr19-8886805-C-A. GRCh37 (hg19) VCF-style: chr19-8997481-C-A.
Other names: c.43893G>T, p.Arg14631= (NM_001414686.1); c.43347G>T, p.Arg14449= (NM_001414687.1); c.40941G>T, p.Arg13647= (NM_024690.2).
Identifiers: ClinVar variation 3056495 (VCV003056495.2), dbSNP rs796886054, ClinGen allele CA305064500.
Genomic context (GRCh38, chr19:8,886,805, plus strand): 5'-AAGGACCCTCTCCGTGGTGTTGAACTTCCTGGAGCCAGGGTGCTGCATGTTCTCCTCATA[C>A]CGCAGGTTGGTGATGGTGAAGTTGAGAGTGAATAGCACCAGGAGAGGGCTGGCAGCTGTC-3'
Protein context (NP_001388430.1, residues 14479-14499): FTLNFTITNL[Arg14489=]YEENMQHPGS